The following is an entry in ClinVar:

ClinVar aggregate classification (germline): Uncertain significance. Review status: criteria provided, multiple submitters, no conflicts (2 of 4 stars). 4 submissions from 4 submitters: Uncertain significance (3). 1 of the submissions does not count toward it. Last evaluated 2022-05-06.

Conditions:
Inborn genetic diseases. Identifiers: MedGen C0950123, MeSH D030342.
Dyskeratosis congenita. Identifiers: Orphanet 1775, MedGen C0265965, MONDO:0015780.
Dyskeratosis congenita, autosomal recessive 5 (DKCB5). Identifiers: MedGen C3554656, MONDO:0014076, OMIM 615190.
Pulmonary fibrosis and/or bone marrow failure, Telomere-related, 3. Also called: PULMONARY FIBROSIS AND/OR BONE MARROW FAILURE SYNDROME, TELOMERE-RELATED, 3. Identifiers: Orphanet 2032, MedGen C4225346, MONDO:0014613, OMIM 616373.

gnomAD v4.1: 6 of 1,608,776 alleles (0.00037%); highest among the groups gnomAD compares: Middle Eastern, 0.022%; no homozygotes.

Submissions (4):

Labcorp Genetics (formerly Invitae), Labcorp
Classification: Uncertain significance for Dyskeratosis congenita, autosomal recessive 5; Pulmonary fibrosis and/or bone marrow failure, Telomere-related, 3. Last evaluated: 2022-05-06. Review status: criteria provided, single submitter. Criteria: Invitae Variant Classification Sherloc (09022015). Collection method: clinical testing. Allele origin: germline.
Comment: This sequence change replaces glutamic acid, which is acidic and polar, with lysine, which is basic and polar, at codon 466 of the RTEL1 protein (p.Glu466Lys). The frequency data for this variant in the population databases is considered unreliable, as metrics indicate poor data quality at this position in the gnomAD database. This variant has not been reported in the literature in individuals affected with RTEL1-related conditions. ClinVar contains an entry for this variant (Variation ID: 991704). Algorithms developed to predict the effect of missense changes on protein structure and function are either unavailable or do not agree on the potential impact of this missense change (SIFT: "Tolerated"; PolyPhen-2: "Possibly Damaging"; Align-GVGD: "Class C0"). In summary, the available evidence is currently insufficient to determine the role of this variant in disease. Therefore, it has been classified as a Variant of Uncertain Significance.

Fulgent Genetics
Classification: Uncertain significance for Dyskeratosis congenita, autosomal recessive 5; Pulmonary fibrosis and/or bone marrow failure, Telomere-related, 3. Last evaluated: 2022-01-17. Review status: criteria provided, single submitter. Criteria: ACMG Guidelines, 2015. Collection method: clinical testing. Allele origin: unknown.

Ambry Genetics
Classification: Uncertain significance for Inborn genetic diseases. Last evaluated: 2021-12-03. Review status: criteria provided, single submitter. Criteria: Ambry Variant Classification Scheme 2023. Collection method: clinical testing. Allele origin: germline.

Natera, Inc.
Classification: Uncertain significance for Dyskeratosis congenita. Last evaluated: 2020-08-13. Review status: no assertion criteria provided. Collection method: clinical testing. Allele origin: germline. Not counted in ClinVar's aggregate classification.

NM_001283009.2(RTEL1):c.1396G>A (p.Glu466Lys)

Genes: RTEL1 (regulator of telomere elongation helicase 1; plus strand), RTEL1-TNFRSF6B (RTEL1-TNFRSF6B readthrough (NMD candidate); plus strand). Cytogenetic location: 20q13.33.
Variant type: single nucleotide variant.
Coding change: c.1396G>A on transcript NM_001283009.2 (MANE Select); coding-DNA position 1396, G replaced by A.
Protein change: p.Glu466Lys; replaces glutamic acid 466 with lysine.
Molecular consequence: missense variant. On other transcripts: non-coding transcript variant (1).
Genome position (GRCh38, 1-based): chr20:63,687,685, G>A. VCF-style: chr20-63687685-G-A. GRCh37 (hg19) VCF-style: chr20-62319038-G-A.
Other names: c.1468G>A (NM_032957.4); c.727G>A, p.Glu243Lys (NM_001283010.1); c.1396G>A, p.Glu466Lys (NM_016434.4); c.1468G>A, p.Glu490Lys (NM_032957.5); short protein forms E243K, E466K, E490K.
Identifiers: ClinVar variation 991704 (VCV000991704.5), dbSNP rs1219409480, ClinGen allele CA409676251.
Genomic context (GRCh38, chr20:63,687,685, plus strand): 5'-CCCCGCCCCACAGGGAAGGTGCTGAGCTACTGGTGCTTCAGTCCCGGCCACAGCATGCAC[G>A]AGCTGGTCCGCCAGGGCGTCCGCTCCCTCATCCTTACCAGCGGCACGCTGGCCCCGGTGT-3'
Protein context (NP_001269938.1, residues 456-476): WCFSPGHSMH[Glu466Lys]LVRQGVRSLI